The following is an entry in ClinVar:

ClinVar aggregate classification (germline): Pathogenic (1 of 4 stars; one submission).

Conditions:
Ellis-van Creveld syndrome (EVC). Also called: MESOECTODERMAL DYSPLASIA; Chondroectodermal dysplasia. Identifiers: Orphanet 289, MedGen C0013903, MONDO:0009162, OMIM 225500.

Submission:

Myriad Genetics, Inc.
Classification: Pathogenic for Ellis-van Creveld syndrome. Last evaluated: 2025-10-21. Review status: criteria provided, single submitter. Criteria: Myriad Autosomal Dominant, Autosomal Recessive and X-Linked Classification Criteria (2023). Collection method: clinical testing. Allele origin: unknown.
Comment: NM_147127.4(EVC2):c.3058G>T(E1020*) is expected to be pathogenic in the context of EVC2-related Ellis-van Creveld syndrome. This variant is predicted to lead to an abnormal or absent protein product due to the creation of a premature termination codon in EVC2, a gene where loss-of-function variants are known to be pathogenic. Please note: this variant was assessed in the context of healthy population screening.

NM_147127.5(EVC2):c.3058G>T (p.Glu1020Ter)

Gene: EVC2 (EvC ciliary complex subunit 2; minus strand). Cytogenetic location: 4p16.2.
Variant type: single nucleotide variant.
Coding change: c.3058G>T on transcript NM_147127.5 (MANE Select); coding-DNA position 3058, G replaced by T.
Protein change: p.Glu1020Ter; replaces glutamic acid 1020 with a stop codon.
Molecular consequence: nonsense.
Genome position (GRCh38, 1-based): chr4:5,576,454, C>A on the plus strand (G>T on the coding strand, the complement: EVC2 is on the minus strand). VCF-style: chr4-5576454-C-A. GRCh37 (hg19) VCF-style: chr4-5578181-C-A.
Other names: c.2818G>T, p.Glu940Ter (NM_001166136.2); short protein forms E1020*, E940*.
Identifiers: ClinVar variation 5015121 (VCV005015121.1).